The following is an entry in ClinVar:

ClinVar aggregate classification (germline): Uncertain significance (1 of 4 stars; one submission).

gnomAD v4.1: 2 of 1,613,740 alleles (0.00012%); highest among the groups gnomAD compares: East Asian, 0.0022%; no homozygotes.

Submission:

GeneDx
Classification: Uncertain significance. Last evaluated: 2025-02-19. Review status: criteria provided, single submitter. Criteria: GeneDx Variant Classification Process June 2021. Collection method: clinical testing. Allele origin: germline. Affected: yes.
Comment: In silico analysis supports a deleterious effect on splicing; Has not been previously published as pathogenic or benign to our knowledge

NM_014905.5(GLS):c.1790-7G>A

Gene: GLS (glutaminase; plus strand). Cytogenetic location: 2q32.2.
Variant type: single nucleotide variant.
Coding change: c.1790-7G>A on transcript NM_014905.5 (MANE Select); 7 bases into the intron before coding-DNA position 1790, G replaced by A.
Molecular consequence: intron variant.
Genome position (GRCh38, 1-based): chr2:190,954,748, G>A. VCF-style: chr2-190954748-G-A. GRCh37 (hg19) VCF-style: chr2-191819474-G-A.
Other names: c.1789+88G>A (NM_001437282.1).
Identifiers: ClinVar variation 4076683 (VCV004076683.1).